The following is an entry in ClinVar:

ClinVar aggregate classification (germline): Likely benign. Review status: criteria provided, single submitter (1 of 4 stars). 2 submissions from 2 submitters: Likely benign (1). 1 of the submissions does not count toward it. Last evaluated 2023-11-22.

Conditions:
RBPJ-related disorder. Also called: RBPJ-related condition.

Allele frequency attached by ClinVar (database versions not stated): gnomAD exomes below 0.00001; ExAC 0.00002.
gnomAD v4.1: 3 of 1,614,128 alleles (0.00019%); highest among the groups gnomAD compares: Non-Finnish European, 0.000085%; no homozygotes.

Submissions (2):

Blueprint Genetics
Classification: Likely benign. Last evaluated: 2023-11-22. Review status: criteria provided, single submitter. Criteria: ACMG Guidelines, 2015. Collection method: clinical testing. Allele origin: germline.

PreventionGenetics, part of Exact Sciences
Classification: Likely benign for RBPJ-related condition. Last evaluated: 2019-02-28. Review status: no assertion criteria provided. Collection method: clinical testing. Allele origin: germline. Not counted in ClinVar's aggregate classification.
Comment: This variant is classified as likely benign based on ACMG/AMP sequence variant interpretation guidelines (Richards et al. 2015 PMID: 25741868, with internal and published modifications).

NM_015874.6(RBPJ):c.609G>A (p.Gln203=)

Gene: RBPJ (recombination signal binding protein for immunoglobulin kappa J region; plus strand). Cytogenetic location: 4p15.2.
Variant type: single nucleotide variant.
Coding change: c.609G>A on transcript NM_015874.6 (MANE Select); coding-DNA position 609, G replaced by A.
Protein change: p.Gln203=; no amino-acid change (glutamine 203 retained).
Molecular consequence: synonymous variant.
Genome position (GRCh38, 1-based): chr4:26,424,454, G>A. VCF-style: chr4-26424454-G-A. GRCh37 (hg19) VCF-style: chr4-26426076-G-A.
Other names: c.543G>A, p.Gln181= (NM_001363577.2, NM_203283.5); c.648G>A, p.Gln216= (NM_001374400.1, NM_001379408.1, NM_005349.4); c.606G>A, p.Gln202= (NM_001374401.1, NM_001374402.1, NM_001374403.1 and 3 more transcripts); c.603G>A, p.Gln201= (NM_001379409.1).
Identifiers: ClinVar variation 3053869 (VCV003053869.3), dbSNP rs762929152, ClinGen allele CA2881386.
Genomic context (GRCh38, chr4:26,424,454, plus strand): 5'-GACAGTTAGTACCAGATACTTGCATGTAGAAGGAGGTAATTTTCATGCCAGTTCACAGCA[G>A]TGGGGAGCCTTTTTTATTCATCTCTGTGAGTATAAAAGTGTGCATTTAATGTTTTTAGTG-3'
Protein context (NP_056958.3, residues 193-213): EGGNFHASSQ[Gln203=]WGAFFIHLLD